The following is an entry in ClinVar:

NM_001195263.2(PDZD7):c.346G>A (p.Val116Met)

Gene: PDZD7 (PDZ domain containing 7; minus strand). Cytogenetic location: 10q24.31.
Variant type: single nucleotide variant.
Coding change: c.346G>A on transcript NM_001195263.2 (MANE Select); coding-DNA position 346, G replaced by A.
Protein change: p.Val116Met; replaces valine 116 with methionine.
Molecular consequence: missense variant.
Genome position (GRCh38, 1-based): chr10:101,023,949, C>T on the plus strand (G>A on the coding strand, the complement: PDZD7 is on the minus strand). VCF-style: chr10-101023949-C-T. GRCh37 (hg19) VCF-style: chr10-102783706-C-T.
Other names: c.346G>A, p.Val116Met (NM_001351044.2, NM_024895.5); short protein forms V116M.
Identifiers: ClinVar variation 965298 (VCV000965298.8), dbSNP rs1176044780, ClinGen allele CA378230888.

ClinVar aggregate classification (germline): Uncertain significance (1 of 4 stars; one submission).

Allele frequency attached by ClinVar (database versions not stated): gnomAD 0.00001; gnomAD exomes 0.00001; TOPMed 0.00002.

Submission:

Labcorp Genetics (formerly Invitae), Labcorp
Classification: Uncertain significance. Last evaluated: 2024-10-16. Review status: criteria provided, single submitter. Criteria: Invitae Variant Classification Sherloc (09022015). Collection method: clinical testing. Allele origin: germline.
Comment: This sequence change replaces valine, which is neutral and non-polar, with methionine, which is neutral and non-polar, at codon 116 of the PDZD7 protein (p.Val116Met). This variant is present in population databases (no rsID available, gnomAD 0.009%). This variant has not been reported in the literature in individuals affected with PDZD7-related conditions. ClinVar contains an entry for this variant (Variation ID: 965298). Invitae Evidence Modeling of protein sequence and biophysical properties (such as structural, functional, and spatial information, amino acid conservation, physicochemical variation, residue mobility, and thermodynamic stability) indicates that this missense variant is not expected to disrupt PDZD7 protein function with a negative predictive value of 80%. In summary, the available evidence is currently insufficient to determine the role of this variant in disease. Therefore, it has been classified as a Variant of Uncertain Significance.